The following is an entry in ClinVar:

ClinVar aggregate classification (germline): Conflicting classifications of pathogenicity. Review status: criteria provided, conflicting classifications (1 of 4 stars). 2 submissions from 2 submitters: Likely pathogenic (1); Uncertain significance (1). Last evaluated 2019-04-22.

Conditions:
Porokeratosis 3, disseminated superficial actinic type (POROK3). Also called: POROKERATOSIS, DISSEMINATED SUPERFICIAL ACTINIC, 1; POROKERATOSIS 3, MULTIPLE TYPES; POROKERATOSIS 3, MIBELLI TYPE. Identifiers: MedGen C1867981, MONDO:0008293, OMIM 175900.
Mevalonic aciduria (MEVA). Identifiers: Orphanet 29, MedGen C1959626, MONDO:0012481, OMIM 610377.
Hyperimmunoglobulin D with periodic fever (HIDS). Also called: Hyperimmunoglobulinemia D with periodic fever; HYPERIMMUNOGLOBULINEMIA D AND PERIODIC FEVER SYNDROME; Hyperimmunoglobulinemia D. Identifiers: Orphanet 343, MedGen C0398691, MONDO:0009849, OMIM 260920.

Allele frequency attached by ClinVar (database versions not stated): gnomAD exomes below 0.00001 and 0.00001; ExAC 0.00003.
gnomAD v4.1: 2 of 1,607,544 alleles (0.00012%); highest among the groups gnomAD compares: Non-Finnish European, 0.00017%; no homozygotes.

Submissions (2):

GeneDx
Classification: Uncertain significance. Last evaluated: 2019-04-22. Review status: criteria provided, single submitter. Criteria: GeneDx Variant Classification Process June 2021. Collection method: clinical testing. Allele origin: germline. Affected: yes.
Comment: Not observed at a significant frequency in large population cohorts (Lek et al., 2016); In silico analysis, which includes splice predictors and evolutionary conservation, supports a deleterious effect; Has not been previously published as pathogenic or benign to our knowledge

Juno Genomics, Hangzhou Juno Genomics, Inc
Classification: Likely pathogenic for Hyperimmunoglobulin D with periodic fever; Mevalonic aciduria; Porokeratosis 3, disseminated superficial actinic type. Review status: criteria provided, single submitter. Criteria: ACMG Guidelines, 2015. Collection method: clinical testing. Allele origin: germline.
Comment: Absent from controls (or at extremely low frequency if recessive) in Genome Aggregation Database.;Multiple lines of computational evidence support a deleterious effect on the gene or gene product.;For recessive disorders, detected in trans with a pathogenic variant.;Patient's phenotype or family history is highly specific for a disease with a single genetic etiology.

NM_000431.4(MVK):c.78G>A (p.Lys26=)

Gene: MVK (mevalonate kinase; plus strand). Cytogenetic location: 12q24.11.
Variant type: single nucleotide variant.
Coding change: c.78G>A on transcript NM_000431.4 (MANE Select); coding-DNA position 78, G replaced by A.
Protein change: p.Lys26=; no amino-acid change (lysine 26 retained).
Molecular consequence: synonymous variant.
Genome position (GRCh38, 1-based): chr12:109,574,900, G>A. VCF-style: chr12-109574900-G-A. GRCh37 (hg19) VCF-style: chr12-110012705-G-A.
Other names: c.78G>A, p.Lys26= (NM_001114185.3, NM_001301182.2).
Identifiers: ClinVar variation 1188196 (VCV001188196.4), dbSNP rs764748327, ClinGen allele CA6779137.